The following is an entry in ClinVar:

ClinVar aggregate classification (germline): Uncertain significance. Review status: criteria provided, multiple submitters, no conflicts (2 of 4 stars). 2 submissions from 2 submitters: Uncertain significance (2). Last evaluated 2024-08-15.

Conditions:
Early-infantile DEE. Also called: Ohtahara syndrome; Early infantile epileptic encephalopathy; Early infantile epileptic encephalopathy with suppression bursts. Identifiers: Orphanet 1934, MedGen C0393706, MONDO:0800491.
Inborn genetic diseases. Identifiers: MedGen C0950123, MeSH D030342.

Allele frequency attached by ClinVar (database versions not stated): gnomAD exomes below 0.00001; ExAC 0.00001; gnomAD 0.00001; TOPMed 0.00001.
gnomAD v4.1: 16 of 1,614,014 alleles (0.00099%); highest among the groups gnomAD compares: Non-Finnish European, 0.0012%; no homozygotes.

Submissions (2):

Labcorp Genetics (formerly Invitae), Labcorp
Classification: Uncertain significance for Early-infantile DEE. Last evaluated: 2024-08-15. Review status: criteria provided, single submitter. Criteria: Invitae Variant Classification Sherloc (09022015). Collection method: clinical testing. Allele origin: germline.
Comment: This sequence change replaces arginine, which is basic and polar, with cysteine, which is neutral and slightly polar, at codon 347 of the SPTAN1 protein (p.Arg347Cys). This variant is present in population databases (rs754066930, gnomAD 0.0009%). This variant has not been reported in the literature in individuals affected with SPTAN1-related conditions. ClinVar contains an entry for this variant (Variation ID: 1375895). Invitae Evidence Modeling of protein sequence and biophysical properties (such as structural, functional, and spatial information, amino acid conservation, physicochemical variation, residue mobility, and thermodynamic stability) has been performed for this missense variant. However, the output from this modeling did not meet the statistical confidence thresholds required to predict the impact of this variant on SPTAN1 protein function. In summary, the available evidence is currently insufficient to determine the role of this variant in disease. Therefore, it has been classified as a Variant of Uncertain Significance.

Ambry Genetics
Classification: Uncertain significance for Inborn genetic diseases. Last evaluated: 2022-08-12. Review status: criteria provided, single submitter. Criteria: Ambry Variant Classification Scheme 2023. Collection method: clinical testing. Allele origin: germline.

NM_001130438.3(SPTAN1):c.1039C>T (p.Arg347Cys)

Gene: SPTAN1 (spectrin alpha, non-erythrocytic 1; plus strand). Cytogenetic location: 9q34.11.
Variant type: single nucleotide variant.
Coding change: c.1039C>T on transcript NM_001130438.3 (MANE Select); coding-DNA position 1039, C replaced by T.
Protein change: p.Arg347Cys; replaces arginine 347 with cysteine.
Molecular consequence: missense variant.
Genome position (GRCh38, 1-based): chr9:128,577,460, C>T. VCF-style: chr9-128577460-C-T. GRCh37 (hg19) VCF-style: chr9-131339739-C-T.
Other names: c.1039C>T, p.Arg347Cys (NM_001195532.2, NM_001363759.2, NM_001363765.2 and 5 more transcripts); c.1075C>T, p.Arg359Cys (NM_001375312.2, NM_001375318.1); c.1039C>T (NM_001130438.2); short protein forms R347C, R359C.
Identifiers: ClinVar variation 1375895 (VCV001375895.10), dbSNP rs754066930, ClinGen allele CA5264287.